The following is an entry in ClinVar:

ClinVar aggregate classification (germline): Uncertain significance (1 of 4 stars; one submission).

Allele frequency attached by ClinVar (database versions not stated): TOPMed below 0.00001.

Submission:

Labcorp Genetics (formerly Invitae), Labcorp
Classification: Uncertain significance. Last evaluated: 2022-04-26. Review status: criteria provided, single submitter. Criteria: Invitae Variant Classification Sherloc (09022015). Collection method: clinical testing. Allele origin: germline.
Comment: This sequence change replaces glycine, which is neutral and non-polar, with serine, which is neutral and polar, at codon 38 of the HOXC13 protein (p.Gly38Ser). This variant is not present in population databases (gnomAD no frequency). This variant has not been reported in the literature in individuals affected with HOXC13-related conditions. Algorithms developed to predict the effect of missense changes on protein structure and function output the following: SIFT: "Tolerated"; PolyPhen-2: "Possibly Damaging"; Align-GVGD: "Class C0". The serine amino acid residue is found in multiple mammalian species, which suggests that this missense change does not adversely affect protein function. In summary, the available evidence is currently insufficient to determine the role of this variant in disease. Therefore, it has been classified as a Variant of Uncertain Significance.

NM_017410.3(HOXC13):c.112G>A (p.Gly38Ser)

Genes: HOXC13 (homeobox C13; plus strand), HOXC13-AS (HOXC13 antisense RNA; minus strand). Cytogenetic location: 12q13.13.
Variant type: single nucleotide variant.
Coding change: c.112G>A on transcript NM_017410.3 (MANE Select); coding-DNA position 112, G replaced by A.
Protein change: p.Gly38Ser; replaces glycine 38 with serine.
Molecular consequence: missense variant.
Genome position (GRCh38, 1-based): chr12:53,939,018, G>A. VCF-style: chr12-53939018-G-A. GRCh37 (hg19) VCF-style: chr12-54332802-G-A.
Other names: short protein forms G38S.
Identifiers: ClinVar variation 2179811 (VCV002179811.4), dbSNP rs747295639, ClinGen allele CA6603767.
Genomic context (GRCh38, chr12:53,939,018, plus strand): 5'-GTCTATGAGGACAGCGCGGCGGAGAGCGGCATCGGCGGCGGCGGCGGAGGAGGAGGCGGC[G>A]GCACGGGCGGAGCGGGGGGTGGCTGCAGCGGAGCGAGCCCCGGCAAAGCCCCGAGCATGG-3'
Protein context (NP_059106.2, residues 28-48): IGGGGGGGGG[Gly38Ser]TGGAGGGCSG